The following is an entry in ClinVar:

ClinVar aggregate classification (germline): Pathogenic. Review status: criteria provided, multiple submitters, no conflicts (2 of 4 stars). 3 submissions from 3 submitters: Pathogenic (2). 1 of the submissions does not count toward it. Last evaluated 2025-08-21.

Conditions:
Pendred syndrome (PDS). Also called: THYROID DYSHORMONOGENESIS 2B; THYROID HORMONOGENESIS, GENETIC DEFECT IN, 2B; Pendred Syndrome (PDS); DEAFNESS WITH GOITER; GOITER-DEAFNESS SYNDROME; HYPOTHYROIDISM, CONGENITAL, DUE TO DYSHORMONOGENESIS, 2B. Identifiers: Orphanet 705, MedGen C0271829, MONDO:0010134, OMIM 274600.

Allele frequency attached by ClinVar (database versions not stated): gnomAD exomes below 0.00001 and 0.00001.
gnomAD v4.1: 2 of 1,612,838 alleles (0.00012%); highest among the groups gnomAD compares: Admixed American, 0.0033%; no homozygotes.

Submissions (3):

Labcorp Genetics (formerly Invitae), Labcorp
Classification: Pathogenic. Last evaluated: 2025-08-21. Review status: criteria provided, single submitter. Criteria: Invitae Variant Classification Sherloc (09022015). Collection method: clinical testing. Allele origin: germline.
Comment: This sequence change affects an acceptor splice site in intron 18 of the SLC26A4 gene. It is expected to disrupt RNA splicing. Variants that disrupt the donor or acceptor splice site typically lead to a loss of protein function (PMID: 16199547), and loss-of-function variants in SLC26A4 are known to be pathogenic (PMID: 16283880, 25394566, 26252218, 26445815). This variant is present in population databases (no rsID available, gnomAD 0.003%). Disruption of this splice site has been observed in individuals with enlarged vestibular aqueduct (PMID: 28964290, 34628810). ClinVar contains an entry for this variant (Variation ID: 553831). Algorithms developed to predict the effect of sequence changes on RNA splicing suggest that this variant may disrupt the consensus splice site. For these reasons, this variant has been classified as Pathogenic.

GeneDx
Classification: Pathogenic. Last evaluated: 2024-01-03. Review status: criteria provided, single submitter. Criteria: GeneDx Variant Classification Process June 2021. Collection method: clinical testing. Allele origin: germline. Affected: yes.
Comment: Canonical splice site variant predicted to result in a null allele in a gene for which loss of function is a known mechanism of disease; Not observed at significant frequency in large population cohorts (gnomAD); This variant is associated with the following publications: (PMID: 34628810, 28964290)

Counsyl
Classification: Likely pathogenic for Pendred syndrome. Last evaluated: 2017-09-13. Review status: no assertion criteria provided. Collection method: clinical testing. Allele origin: unknown. Not counted in ClinVar's aggregate classification.

Literature cited by the submitters: PubMed 16199547 (cited by Labcorp Genetics (formerly Invitae), Labcorp); PubMed 16283880 (cited by Labcorp Genetics (formerly Invitae), Labcorp); PubMed 25394566 (cited by Labcorp Genetics (formerly Invitae), Labcorp); PubMed 26252218 (cited by Labcorp Genetics (formerly Invitae), Labcorp); PubMed 26445815 (cited by Labcorp Genetics (formerly Invitae), Labcorp); PubMed 28964290 (cited by Labcorp Genetics (formerly Invitae), Labcorp); PubMed 34628810 (cited by Labcorp Genetics (formerly Invitae), Labcorp).

NM_000441.2(SLC26A4):c.2090-1G>A

Genes: SLC26A4 (solute carrier family 26 member 4; plus strand), LOC123956210 (Sharpr-MPRA regulatory region 3291; plus strand). Cytogenetic location: 7q22.3.
Variant type: single nucleotide variant.
Coding change: c.2090-1G>A on transcript NM_000441.2 (MANE Select); the canonical splice acceptor site of the intron before coding-DNA position 2090, G replaced by A.
Molecular consequence: splice acceptor variant.
Genome position (GRCh38, 1-based): chr7:107,710,053, G>A. VCF-style: chr7-107710053-G-A. GRCh37 (hg19) VCF-style: chr7-107350498-G-A.
Identifiers: ClinVar variation 553831 (VCV000553831.11), dbSNP rs1455597424, ClinGen allele CA368845406.